The following is an entry in ClinVar:

NM_014264.5(PLK4):c.2454T>A (p.Pro818=)

Gene: PLK4 (polo like kinase 4; plus strand). Cytogenetic location: 4q28.1.
Variant type: single nucleotide variant.
Coding change: c.2454T>A on transcript NM_014264.5 (MANE Select); coding-DNA position 2454, T replaced by A.
Protein change: p.Pro818=; no amino-acid change (proline 818 retained).
Molecular consequence: synonymous variant.
Genome position (GRCh38, 1-based): chr4:127,893,773, T>A. VCF-style: chr4-127893773-T-A. GRCh37 (hg19) VCF-style: chr4-128814928-T-A.
Other names: c.2358T>A, p.Pro786= (NM_001190799.2); c.2331T>A, p.Pro777= (NM_001190801.2); c.2454T>A (NM_014264.4).
Identifiers: ClinVar variation 1612418 (VCV001612418.10), dbSNP rs1443779519, ClinGen allele CA441207319.

ClinVar aggregate classification (germline): Likely benign. Review status: criteria provided, single submitter (1 of 4 stars). 2 submissions from 2 submitters: Likely benign (1). 1 of the submissions does not count toward it. Last evaluated 2026-01-18.

Conditions:
PLK4-related disorder. Also called: PLK4-related condition.

Allele frequency attached by ClinVar (database versions not stated): gnomAD exomes 0.00001.
gnomAD v4.1: 12 of 1,612,996 alleles (0.00074%); highest among the groups gnomAD compares: Non-Finnish European, 0.00059%; no homozygotes.

Submissions (2):

Labcorp Genetics (formerly Invitae), Labcorp
Classification: Likely benign. Last evaluated: 2026-01-18. Review status: criteria provided, single submitter. Criteria: Invitae Variant Classification Sherloc (09022015). Collection method: clinical testing. Allele origin: germline.

PreventionGenetics, part of Exact Sciences
Classification: Likely benign for PLK4-related condition. Last evaluated: 2019-03-06. Review status: no assertion criteria provided. Collection method: clinical testing. Allele origin: germline. Not counted in ClinVar's aggregate classification.
Comment: This variant is classified as likely benign based on ACMG/AMP sequence variant interpretation guidelines (Richards et al. 2015 PMID: 25741868, with internal and published modifications).